The following is an entry in ClinVar:

NM_015474.4(SAMHD1):c.1652G>A (p.Arg551Gln)

Gene: SAMHD1 (SAM and HD domain containing deoxynucleoside triphosphate triphosphohydrolase 1; minus strand). Cytogenetic location: 20q11.23.
Variant type: single nucleotide variant.
Coding change: c.1652G>A on transcript NM_015474.4 (MANE Select); coding-DNA position 1652, G replaced by A.
Protein change: p.Arg551Gln; replaces arginine 551 with glutamine.
Molecular consequence: missense variant.
Genome position (GRCh38, 1-based): chr20:36,897,916, C>T on the plus strand (G>A on the coding strand, the complement: SAMHD1 is on the minus strand). VCF-style: chr20-36897916-C-T. GRCh37 (hg19) VCF-style: chr20-35526319-C-T.
Other names: c.1547G>A, p.Arg516Gln (NM_001363729.2); c.1652G>A, p.Arg551Gln (NM_001363733.2); short protein forms R551Q, R516Q.
Identifiers: ClinVar variation 1932125 (VCV001932125.4), dbSNP rs1368663361, ClinGen allele CA408839524.
Genomic context (GRCh38, chr20:36,897,916, plus strand): 5'-TGAACAAAATATTGTCTTGCGGCATACAAACTCTTTCTGTCCACCTTCTTACAATATACT[C>T]GAATCAGCTGCTCTGCAAATTTCTCTGGCAGAAGTTGTGAAACCTTTTTAAAATGAAGAG-3'
Protein context (NP_056289.2, residues 541-561): LPEKFAEQLI[Arg551Gln]VYCKKVDRKS

ClinVar aggregate classification (germline): Uncertain significance (1 of 4 stars; one submission).

Conditions:
Aicardi-Goutieres syndrome 5. Identifiers: Orphanet 51, MedGen C2749659, MONDO:0013059, OMIM 612952.

Allele frequency attached by ClinVar (database versions not stated): gnomAD exomes below 0.00001.
gnomAD v4.1: 5 of 1,614,180 alleles (0.00031%); highest among the groups gnomAD compares: East Asian, 0.0045%; no homozygotes.

Submission:

Labcorp Genetics (formerly Invitae), Labcorp
Classification: Uncertain significance for Aicardi-Goutieres syndrome 5. Last evaluated: 2025-10-20. Review status: criteria provided, single submitter. Criteria: Invitae Variant Classification Sherloc (09022015). Collection method: clinical testing. Allele origin: germline.
Comment: This sequence change replaces arginine, which is basic and polar, with glutamine, which is neutral and polar, at codon 551 of the SAMHD1 protein (p.Arg551Gln). This variant is present in population databases (no rsID available, gnomAD 0.006%). This variant has not been reported in the literature in individuals affected with SAMHD1-related conditions. ClinVar contains an entry for this variant (Variation ID: 1932125). Invitae Evidence Modeling of protein sequence and biophysical properties (such as structural, functional, and spatial information, amino acid conservation, physicochemical variation, residue mobility, and thermodynamic stability) has been performed for this missense variant. However, the output from this modeling did not meet the statistical confidence thresholds required to predict the impact of this variant on SAMHD1 protein function. In summary, the available evidence is currently insufficient to determine the role of this variant in disease. Therefore, it has been classified as a Variant of Uncertain Significance.